The following is an entry in ClinVar:

ClinVar aggregate classification (germline): Likely benign. Review status: criteria provided, multiple submitters, no conflicts (2 of 4 stars). 2 submissions from 2 submitters: Likely benign (2). Last evaluated 2024-12-24.

Conditions:
Amyotrophic lateral sclerosis type 21. Also called: VOCAL CORD AND PHARYNGEAL DYSFUNCTION WITH DISTAL MYOPATHY; MYOPATHY, DISTAL, 2. Identifiers: Orphanet 600, Orphanet 803, MedGen C3807521, MONDO:0011632, OMIM 606070.

Allele frequency attached by ClinVar (database versions not stated): TOPMed below 0.00001; ExAC 0.00001; gnomAD 0.00001; gnomAD exomes 0.00001.

Submissions (2):

Labcorp Genetics (formerly Invitae), Labcorp
Classification: Likely benign for Amyotrophic lateral sclerosis type 21. Last evaluated: 2024-12-24. Review status: criteria provided, single submitter. Criteria: Invitae Variant Classification Sherloc (09022015). Collection method: clinical testing. Allele origin: germline.

CeGaT Center for Human Genetics Tuebingen
Classification: Likely benign. Last evaluated: 2024-07-01. Review status: criteria provided, single submitter. Criteria: CeGaT Center For Human Genetics Tuebingen Variant Classification Criteria Version 2. Collection method: clinical testing. Allele origin: germline. Affected: yes. Observed: 1 variant allele.
Comment: MATR3: BP4, BP7

NM_018834.6(MATR3):c.1947T>C (p.Asn649=)

Genes: MATR3 (matrin 3; plus strand), LOC126807526 (CDK7 strongly-dependent group 2 enhancer GRCh37_chr5:138657767-138658966; plus strand). Cytogenetic location: 5q31.2.
Variant type: single nucleotide variant.
Coding change: c.1947T>C on transcript NM_018834.6 (MANE Select); coding-DNA position 1947, T replaced by C.
Protein change: p.Asn649=; no amino-acid change (asparagine 649 retained).
Molecular consequence: synonymous variant.
Genome position (GRCh38, 1-based): chr5:139,322,766, T>C. VCF-style: chr5-139322766-T-C. GRCh37 (hg19) VCF-style: chr5-138658455-T-C.
Other names: c.1947T>C, p.Asn649= (NM_001194954.2, NM_001194955.2, NM_199189.3); c.1083T>C, p.Asn361= (NM_001194956.2); c.933T>C, p.Asn311= (NM_001282278.2).
Identifiers: ClinVar variation 728398 (VCV000728398.27), dbSNP rs777432521, ClinGen allele CA3433277.